The following is an entry in ClinVar:

NM_030662.4(MAP2K2):c.1150T>C (p.Cys384Arg)

Gene: MAP2K2 (mitogen-activated protein kinase kinase 2; minus strand). Cytogenetic location: 19p13.3.
Variant type: single nucleotide variant.
Coding change: c.1150T>C on transcript NM_030662.4 (MANE Select); coding-DNA position 1150, T replaced by C.
Protein change: p.Cys384Arg; replaces cysteine 384 with arginine.
Molecular consequence: missense variant.
Genome position (GRCh38, 1-based): chr19:4,090,651, A>G on the plus strand (T>C on the coding strand, the complement: MAP2K2 is on the minus strand). VCF-style: chr19-4090651-A-G. GRCh37 (hg19) VCF-style: chr19-4090649-A-G.
Other names: short protein forms C384R.
Identifiers: ClinVar variation 2843440 (VCV002843440.4), dbSNP rs1401125796, ClinGen allele CA403380925.
Genomic context (GRCh38, chr19:4,090,651, plus strand): 5'-GCCACTGTCACACGGCGGTGCGCGTGGGTGTGCCGGGCTGGTTCAGCCGCAGGGTTTTAC[A>G]CAACCAGCCGGCAAAATCCACTTCTTCCACCTCGGACCGCTTGATGAAGGTGTGGTTCTG-3'
Protein context (NP_109587.1, residues 374-394): VEEVDFAGWL[Cys384Arg]KTLRLNQPGT

ClinVar aggregate classification (germline): Uncertain significance. Review status: criteria provided, multiple submitters, no conflicts (2 of 4 stars). 2 submissions from 2 submitters: Uncertain significance (2). Last evaluated 2023-10-27.

Conditions:
Cardiovascular phenotype. Identifiers: MedGen CN230736.
RASopathy. Also called: rasopathies; Noonan spectrum disorder. Identifiers: Orphanet 536391, MedGen C5555857, MONDO:0021060.

Submissions (2):

Ambry Genetics
Classification: Uncertain significance for Cardiovascular phenotype. Last evaluated: 2023-10-27. Review status: criteria provided, single submitter. Criteria: Ambry Variant Classification Scheme 2023. Collection method: clinical testing. Allele origin: germline.
Comment: The p.C384R variant (also known as c.1150T>C), located in coding exon 11 of the MAP2K2 gene, results from a T to C substitution at nucleotide position 1150. The cysteine at codon 384 is replaced by arginine, an amino acid with highly dissimilar properties. This amino acid position is conserved. In addition, this alteration is predicted to be deleterious by in silico analysis. Since supporting evidence is limited at this time, the clinical significance of this alteration remains unclear.

Labcorp Genetics (formerly Invitae), Labcorp
Classification: Uncertain significance for RASopathy. Last evaluated: 2023-03-07. Review status: criteria provided, single submitter. Criteria: Invitae Variant Classification Sherloc (09022015). Collection method: clinical testing. Allele origin: germline.
Comment: In summary, the available evidence is currently insufficient to determine the role of this variant in disease. Therefore, it has been classified as a Variant of Uncertain Significance. Advanced modeling of protein sequence and biophysical properties (such as structural, functional, and spatial information, amino acid conservation, physicochemical variation, residue mobility, and thermodynamic stability) performed at Invitae indicates that this missense variant is not expected to disrupt MAP2K2 protein function. This variant has not been reported in the literature in individuals affected with MAP2K2-related conditions. This variant is not present in population databases (gnomAD no frequency). This sequence change replaces cysteine, which is neutral and slightly polar, with arginine, which is basic and polar, at codon 384 of the MAP2K2 protein (p.Cys384Arg).